The following is an entry in ClinVar:

ClinVar aggregate classification (germline): Benign. Review status: criteria provided, multiple submitters, no conflicts (2 of 4 stars). 5 submissions from 5 submitters: Benign (5). Last evaluated 2026-02-01.

Conditions:
Immunodeficiency 35 (IMD35). Also called: HIES WITH ATYPICAL MYCOBACTERIOSIS, AUTOSOMAL RECESSIVE; HYPER-IgE SYNDROME WITH ATYPICAL MYCOBACTERIOSIS, AUTOSOMAL RECESSIVE; TYK2 DEFICIENCY; Susceptibility to infection due to TYK2 deficiency. Identifiers: Orphanet 331226, MedGen C1969086, MONDO:0012682, OMIM 611521.

Allele frequency attached by ClinVar (database versions not stated): gnomAD 0.02503; 1000 Genomes Project 0.02556; ESP Exome Variant Server 0.02691; TOPMed 0.02762; 1000 Genomes Project 30x 0.02826.
gnomAD v4.1: 7,258 of 1,613,912 alleles (0.45%); highest among the groups gnomAD compares: African/African-American, 8.7%; 298 homozygotes.

Submissions (5):

Labcorp Genetics (formerly Invitae), Labcorp
Classification: Benign for Immunodeficiency 35. Last evaluated: 2026-02-01. Review status: criteria provided, single submitter. Criteria: Invitae Variant Classification Sherloc (09022015). Collection method: clinical testing. Allele origin: germline.

Mayo Clinic Laboratories, Mayo Clinic
Classification: Benign. Last evaluated: 2024-03-30. Review status: criteria provided, single submitter. Criteria: ACMG Guidelines, 2015. Collection method: clinical testing. Allele origin: germline. Observed: 2 variant alleles.

Illumina Laboratory Services, Illumina
Classification: Benign for Immunodeficiency 35. Last evaluated: 2018-01-13. Review status: criteria provided, single submitter. Criteria: ICSL Variant Classification Criteria 13 December 2019. Collection method: clinical testing. Allele origin: germline.
Comment: This variant was observed in the ICSL laboratory as part of a predisposition screen in an ostensibly healthy population. It had not been previously curated by ICSL or reported in the Human Gene Mutation Database (HGMD: prior to June 1st, 2018), and was therefore a candidate for classification through an automated scoring system. Utilizing variant allele frequency, disease prevalence and penetrance estimates, and inheritance mode, an automated score was calculated to assess if this variant is too frequent to cause the disease. Based on the score and internal cut-off values, a variant classified as benign is not then subjected to further curation. The score for this variant resulted in a classification of benign for this disease.

GeneDx
Classification: Benign. Last evaluated: 2015-04-22. Review status: criteria provided, single submitter. Criteria: GeneDx Variant Classification (06012015). Collection method: clinical testing. Allele origin: germline. Affected: yes.
Comment: This variant is considered likely benign or benign based on one or more of the following criteria: it is a conservative change, it occurs at a poorly conserved position in the protein, it is predicted to be benign by multiple in silico algorithms, and/or has population frequency not consistent with disease.

Breakthrough Genomics
Classification: Benign. Review status: criteria provided, single submitter. Criteria: ACMG Guidelines, 2015. Collection method: not provided. Allele origin: germline. Inheritance: Autosomal recessive inheritance. Affected: yes.

NM_003331.5(TYK2):c.1848T>G (p.Pro616=)

Gene: TYK2 (tyrosine kinase 2; minus strand). Cytogenetic location: 19p13.2.
Variant type: single nucleotide variant.
Coding change: c.1848T>G on transcript NM_003331.5 (MANE Select); coding-DNA position 1848, T replaced by G.
Protein change: p.Pro616=; no amino-acid change (proline 616 retained).
Molecular consequence: synonymous variant.
Genome position (GRCh38, 1-based): chr19:10,361,881, A>C on the plus strand (T>G on the coding strand, the complement: TYK2 is on the minus strand). VCF-style: chr19-10361881-A-C. GRCh37 (hg19) VCF-style: chr19-10472557-A-C.
Other names: p.Pro616=; c.1848T>G (LRG_121t1).
Identifiers: ClinVar variation 327945 (VCV000327945.17), dbSNP rs12720276, ClinGen allele CA9193272.